The following is an entry in ClinVar:

ClinVar aggregate classification (germline): Pathogenic (1 of 4 stars; one submission).

Submission:

Labcorp Genetics (formerly Invitae), Labcorp
Classification: Pathogenic. Last evaluated: 2024-02-16. Review status: criteria provided, single submitter. Criteria: Invitae Variant Classification Sherloc (09022015). Collection method: clinical testing. Allele origin: germline.
Comment: This sequence change creates a premature translational stop signal (p.Tyr459Thrfs*8) in the FRAS1 gene. It is expected to result in an absent or disrupted protein product. Loss-of-function variants in FRAS1 are known to be pathogenic (PMID: 12766769, 18671281). This variant is not present in population databases (gnomAD no frequency). This variant has not been reported in the literature in individuals affected with FRAS1-related conditions. For these reasons, this variant has been classified as Pathogenic.

Literature cited by the submitters: PubMed 12766769; PubMed 18671281.

NM_025074.7(FRAS1):c.1375del (p.Tyr459fs)

Gene: FRAS1 (Fraser extracellular matrix complex subunit 1; plus strand). Cytogenetic location: 4q21.21.
Variant type: Deletion.
Coding change: c.1375del on transcript NM_025074.7 (MANE Select); coding-DNA position 1375, one base deleted (T; older notation c.1375delT).
Protein change: p.Tyr459fs; shifts the reading frame from tyrosine 459.
Molecular consequence: frameshift variant.
Genome position (GRCh38, 1-based): chr4:78,284,524, T deleted; the last of 5 consecutive T bases (chr4:78,284,520-78,284,524); deleting any one gives the same sequence. VCF-style (leftmost placement, unchanged base first): chr4-78284519-GT-G. GRCh37 (hg19) VCF-style: chr4-79205673-GT-G.
Other names: c.1375del, p.Tyr459fs (NM_001166133.2); short protein forms Y459fs.
Identifiers: ClinVar variation 3639866 (VCV003639866.2).
Genomic context (GRCh38, chr4:78,284,519, plus strand): 5'-TCTGCCAAGATCCTACCAAGTTACTGCAGAATGGATGGTGTGTGCACAGCTGTGGACTGG[GT>G]TTTTACCAAGCTGGCAGTCTCTGTTTAGGTATGGCTCCAAGTGGACAACCCAGAGGTGGT-3'